The following is an entry in ClinVar:

ClinVar aggregate classification (germline): Uncertain significance (1 of 4 stars; one submission).

Submission:

GeneDx
Classification: Uncertain significance. Last evaluated: 2022-01-27. Review status: criteria provided, single submitter. Criteria: GeneDx Variant Classification Process June 2021. Collection method: clinical testing. Allele origin: germline. Affected: yes.
Comment: Not observed at significant frequency in large population cohorts (gnomAD); In silico analysis supports that this missense variant does not alter protein structure/function; Has not been previously published as pathogenic or benign to our knowledge

NM_017934.7(PHIP):c.463C>G (p.Leu155Val)

Gene: PHIP (pleckstrin homology domain interacting protein; minus strand). Cytogenetic location: 6q14.1.
Variant type: single nucleotide variant.
Coding change: c.463C>G on transcript NM_017934.7 (MANE Select); coding-DNA position 463, C replaced by G.
Protein change: p.Leu155Val; replaces leucine 155 with valine.
Molecular consequence: missense variant.
Genome position (GRCh38, 1-based): chr6:79,042,980, G>C on the plus strand (C>G on the coding strand, the complement: PHIP is on the minus strand). VCF-style: chr6-79042980-G-C. GRCh37 (hg19) VCF-style: chr6-79752697-G-C.
Other names: short protein forms L155V.
Identifiers: ClinVar variation 1699806 (VCV001699806.2), dbSNP rs2127760457, ClinGen allele CA364643371.